The following is an entry in ClinVar:

ClinVar aggregate classification (germline): Likely pathogenic (1 of 4 stars; one submission).

Allele frequency attached by ClinVar (database versions not stated): gnomAD exomes below 0.00001.
gnomAD v4.1: 1 of 1,613,548 alleles (0.000062%); highest among the groups gnomAD compares: Non-Finnish European, 0.000085%; no homozygotes.

Submission:

Labcorp Genetics (formerly Invitae), Labcorp
Classification: Likely pathogenic. Last evaluated: 2022-03-31. Review status: criteria provided, single submitter. Criteria: Invitae Variant Classification Sherloc (09022015). Collection method: clinical testing. Allele origin: germline.
Comment: In summary, the currently available evidence indicates that the variant is pathogenic, but additional data are needed to prove that conclusively. Therefore, this variant has been classified as Likely Pathogenic. Algorithms developed to predict the effect of sequence changes on RNA splicing suggest that this variant may disrupt the consensus splice site. This variant has not been reported in the literature in individuals affected with MTHFD1-related conditions. This variant is not present in population databases (gnomAD no frequency). This sequence change affects a donor splice site in intron 15 of the MTHFD1 gene. It is expected to disrupt RNA splicing. Variants that disrupt the donor or acceptor splice site typically lead to a loss of protein function (PMID: 16199547), and loss-of-function variants in MTHFD1 are known to be pathogenic (PMID: 21813566, 25633902).

Literature cited by the submitters: PubMed 16199547; PubMed 21813566; PubMed 25633902.

NM_005956.4(MTHFD1):c.1494+1G>A

Gene: MTHFD1 (methylenetetrahydrofolate dehydrogenase, cyclohydrolase and formyltetrahydrofolate synthetase 1; plus strand). Cytogenetic location: 14q23.3.
Variant type: single nucleotide variant.
Coding change: c.1494+1G>A on transcript NM_005956.4 (MANE Select); the canonical splice donor site of the intron after coding-DNA position 1494, G replaced by A.
Molecular consequence: splice donor variant.
Genome position (GRCh38, 1-based): chr14:64,431,862, G>A. VCF-style: chr14-64431862-G-A. GRCh37 (hg19) VCF-style: chr14-64898580-G-A.
Other names: c.1494+1G>A (NM_001364837.1).
Identifiers: ClinVar variation 2119897 (VCV002119897.4), dbSNP rs2550502656, ClinGen allele CA389992142.